The following is an entry in ClinVar:

ClinVar aggregate classification (germline): Uncertain significance (1 of 4 stars; one submission).

Submission:

Labcorp Genetics (formerly Invitae), Labcorp
Classification: Uncertain significance. Last evaluated: 2025-01-20. Review status: criteria provided, single submitter. Criteria: Invitae Variant Classification Sherloc (09022015). Collection method: clinical testing. Allele origin: germline.
Comment: This sequence change replaces alanine, which is neutral and non-polar, with valine, which is neutral and non-polar, at codon 735 of the TUBGCP6 protein (p.Ala735Val). This variant is not present in population databases (gnomAD no frequency). This variant has not been reported in the literature in individuals affected with TUBGCP6-related conditions. ClinVar contains an entry for this variant (Variation ID: 1717171). An algorithm developed to predict the effect of missense changes on protein structure and function (PolyPhen-2) suggests that this variant is likely to be disruptive. In summary, the available evidence is currently insufficient to determine the role of this variant in disease. Therefore, it has been classified as a Variant of Uncertain Significance.

NM_020461.4(TUBGCP6):c.2204C>T (p.Ala735Val)

Gene: TUBGCP6 (tubulin gamma complex component 6; minus strand). Cytogenetic location: 22q13.33.
Variant type: single nucleotide variant.
Coding change: c.2204C>T on transcript NM_020461.4 (MANE Select); coding-DNA position 2204, C replaced by T.
Protein change: p.Ala735Val; replaces alanine 735 with valine.
Molecular consequence: missense variant.
Genome position (GRCh38, 1-based): chr22:50,224,207, G>A on the plus strand (C>T on the coding strand, the complement: TUBGCP6 is on the minus strand). VCF-style: chr22-50224207-G-A. GRCh37 (hg19) VCF-style: chr22-50662636-G-A.
Other names: short protein forms A735V.
Identifiers: ClinVar variation 1717171 (VCV001717171.5), dbSNP rs2064570829, ClinGen allele CA412102280.
Genomic context (GRCh38, chr22:50,224,207, plus strand): 5'-TTCCTCTCCAGCTCCTCCTCCAGGGACTTCAGCCTTCTCTCCCTGTCTCGGAGTTCACGG[G>A]CGTAGCTGAAGTCATCATCCAGCTCCTCCTGCCTGGCCGCCTGGCGTCGCTATAAAACAC-3'
Protein context (NP_065194.3, residues 725-745): QEELDDDFSY[Ala735Val]RELRDRERRL